The following is an entry in ClinVar:

ClinVar aggregate classification (germline): Uncertain significance (1 of 4 stars; one submission).

Submission:

Ambry Genetics
Classification: Uncertain significance. Last evaluated: 2025-02-04. Review status: criteria provided, single submitter. Criteria: Ambry Variant Classification Scheme 2023. Collection method: clinical testing. Allele origin: germline.
Comment: The p.T246I variant (also known as c.737C>T), located in coding exon 3 of the GFI1 gene, results from a C to T substitution at nucleotide position 737. The threonine at codon 246 is replaced by isoleucine, an amino acid with similar properties. This amino acid position is conserved. In addition, this alteration is predicted to be tolerated by in silico analysis. Based on the available evidence, the clinical significance of this variant remains unclear.

NM_005263.5(GFI1):c.737C>T (p.Thr246Ile)

Gene: GFI1 (growth factor independent 1 transcriptional repressor; minus strand). Cytogenetic location: 1p22.1.
Variant type: single nucleotide variant.
Coding change: c.737C>T on transcript NM_005263.5 (MANE Select); coding-DNA position 737, C replaced by T.
Protein change: p.Thr246Ile; replaces threonine 246 with isoleucine.
Molecular consequence: missense variant.
Genome position (GRCh38, 1-based): chr1:92,480,650, G>A on the plus strand (C>T on the coding strand, the complement: GFI1 is on the minus strand). VCF-style: chr1-92480650-G-A. GRCh37 (hg19) VCF-style: chr1-92946207-G-A.
Other names: c.737C>T, p.Thr246Ile (NM_001127215.3, NM_001127216.3); short protein forms T246I.
Identifiers: ClinVar variation 3853711 (VCV003853711.1).